The following is an entry in ClinVar:

ClinVar aggregate classification (germline): Uncertain significance (1 of 4 stars; one submission).

Conditions:
Charcot-Marie-Tooth disease type 4. Also called: Charcot-Marie-Tooth, Type 4; Charcot-Marie-Tooth disease, type IV. Identifiers: Orphanet 64749, MedGen C4082197, MONDO:0018995.

Allele frequency attached by ClinVar (database versions not stated): gnomAD exomes below 0.00001; gnomAD 0.00001.
gnomAD v4.1: 6 of 1,581,514 alleles (0.00038%); highest among the groups gnomAD compares: South Asian, 0.0012%; no homozygotes.

Submission:

Labcorp Genetics (formerly Invitae), Labcorp
Classification: Uncertain significance for Charcot-Marie-Tooth disease type 4. Last evaluated: 2022-05-19. Review status: criteria provided, single submitter. Criteria: Invitae Variant Classification Sherloc (09022015). Collection method: clinical testing. Allele origin: germline.
Comment: This sequence change replaces glutamic acid, which is acidic and polar, with lysine, which is basic and polar, at codon 368 of the NDRG1 protein (p.Glu368Lys). The frequency data for this variant in the population databases is considered unreliable, as metrics indicate poor data quality at this position in the gnomAD database. This variant has not been reported in the literature in individuals affected with NDRG1-related conditions. Algorithms developed to predict the effect of missense changes on protein structure and function (SIFT, PolyPhen-2, Align-GVGD) all suggest that this variant is likely to be tolerated. In summary, the available evidence is currently insufficient to determine the role of this variant in disease. Therefore, it has been classified as a Variant of Uncertain Significance.

NM_006096.4(NDRG1):c.1102G>A (p.Glu368Lys)

Gene: NDRG1 (N-myc downstream regulated 1; minus strand). Cytogenetic location: 8q24.22.
Variant type: single nucleotide variant.
Coding change: c.1102G>A on transcript NM_006096.4 (MANE Select); coding-DNA position 1102, G replaced by A.
Protein change: p.Glu368Lys; replaces glutamic acid 368 with lysine.
Molecular consequence: missense variant.
Genome position (GRCh38, 1-based): chr8:133,238,961, C>T on the plus strand (G>A on the coding strand, the complement: NDRG1 is on the minus strand). VCF-style: chr8-133238961-C-T. GRCh37 (hg19) VCF-style: chr8-134251204-C-T.
Other names: c.1102G>A, p.Glu368Lys (NM_001135242.2, NM_001374845.1, NM_001374846.1); c.904G>A, p.Glu302Lys (NM_001258432.2, NM_001374847.1); c.859G>A, p.Glu287Lys (NM_001258433.2); c.1153G>A, p.Glu385Lys (NM_001374844.1); short protein forms E287K, E385K, E368K, E302K.
Identifiers: ClinVar variation 2102515 (VCV002102515.1), dbSNP rs1345314267, ClinGen allele CA372254348.